The following is an entry in ClinVar:

NM_000726.5(CACNB4):c.1418G>A (p.Arg473His)

Gene: CACNB4 (calcium voltage-gated channel auxiliary subunit beta 4; minus strand). Cytogenetic location: 2q23.3.
Variant type: single nucleotide variant.
Coding change: c.1418G>A on transcript NM_000726.5 (MANE Select); coding-DNA position 1418, G replaced by A.
Protein change: p.Arg473His; replaces arginine 473 with histidine.
Molecular consequence: missense variant.
Genome position (GRCh38, 1-based): chr2:151,839,264, C>T on the plus strand (G>A on the coding strand, the complement: CACNB4 is on the minus strand). VCF-style: chr2-151839264-C-T. GRCh37 (hg19) VCF-style: chr2-152695778-C-T.
Other names: c.1364G>A, p.Arg455His (NM_001005746.4); c.1316G>A, p.Arg439His (NM_001005747.4); c.1232G>A, p.Arg411His (NM_001145798.3); c.1277G>A, p.Arg426His (NM_001320722.3, NM_001330118.2); c.1175G>A, p.Arg392His (NM_001330113.2); c.764G>A, p.Arg255His (NM_001330114.2); c.1127G>A, p.Arg376His (NM_001330115.2); c.1088G>A, p.Arg363His (NM_001330116.2); and 1 more; short protein forms R376H, R411H, R287H, R255H, R363H, R439H, R455H, R392H.
Identifiers: ClinVar variation 647172 (VCV000647172.12), dbSNP rs368111233, ClinGen allele CA1912345.

ClinVar aggregate classification (germline): Uncertain significance. Review status: criteria provided, multiple submitters, no conflicts (2 of 4 stars). 2 submissions from 2 submitters: Uncertain significance (2). Last evaluated 2025-10-10.

Conditions:
Idiopathic generalized epilepsy. Also called: EIG; Generalised epilepsy. Identifiers: MedGen C0270850, MONDO:0005579, OMIM 600669.

Allele frequency attached by ClinVar (database versions not stated): gnomAD 0.00004 and 0.00005; TOPMed 0.00004; gnomAD exomes 0.00005; ExAC 0.00009; ESP Exome Variant Server 0.00016.
gnomAD v4.1: 96 of 1,613,474 alleles (0.0059%); highest among the groups gnomAD compares: Non-Finnish European, 0.0072%; no homozygotes.

Submissions (2):

Athena Diagnostics
Classification: Uncertain significance. Last evaluated: 2025-10-10. Review status: criteria provided, single submitter. Criteria: Athena Diagnostics Criteria. Collection method: clinical testing. Allele origin: unknown.
Comment: Available data are insufficient to determine the clinical significance of the variant at this time. The frequency of this variant in the general population is uninformative in assessment of its pathogenicity. Polyphen and MutationTaster yielded discordant predictions regarding whether this amino acid change is damaging to the protein.

Labcorp Genetics (formerly Invitae), Labcorp
Classification: Uncertain significance for Idiopathic generalized epilepsy. Last evaluated: 2019-08-26. Review status: criteria provided, single submitter. Criteria: Invitae Variant Classification Sherloc (09022015). Collection method: clinical testing. Allele origin: germline.
Comment: This sequence change replaces arginine with histidine at codon 473 of the CACNB4 protein (p.Arg473His). The arginine residue is moderately conserved and there is a small physicochemical difference between arginine and histidine. In summary, the available evidence is currently insufficient to determine the role of this variant in disease. Therefore, it has been classified as a Variant of Uncertain Significance. Algorithms developed to predict the effect of missense changes on protein structure and function do not agree on the potential impact of this missense change (SIFT: "Tolerated"; PolyPhen-2: "Possibly Damaging"; Align-GVGD: "Class C0"). This variant has not been reported in the literature in individuals with CACNB4-related disease. This variant is present in population databases (rs368111233, ExAC 0.03%), and has an allele count higher than expected for a pathogenic variant (PMID: 28166811).

Literature cited by the submitters: PubMed 33144682 (cited by Athena Diagnostics); PubMed 36360260 (cited by Athena Diagnostics); PubMed 28444220 (cited by Athena Diagnostics); PubMed 28166811 (cited by Labcorp Genetics (formerly Invitae), Labcorp).